The following is an entry in ClinVar:

ClinVar aggregate classification (germline): Uncertain significance (1 of 4 stars; one submission).

Conditions:
Hereditary cancer-predisposing syndrome. Also called: Neoplastic Syndromes, Hereditary; Hereditary Cancer Syndrome; Tumor predisposition; Hereditary neoplastic syndrome. Identifiers: Orphanet 140162, MedGen C0027672, MeSH D009386, MONDO:0015356.

Submission:

Ambry Genetics
Classification: Uncertain significance for Hereditary cancer-predisposing syndrome. Last evaluated: 2024-12-13. Review status: criteria provided, single submitter. Criteria: Ambry Variant Classification Scheme 2023. Collection method: clinical testing. Allele origin: germline.
Comment: The p.M704V variant (also known as c.2110A>G), located in coding exon 21 of the RB1 gene, results from an A to G substitution at nucleotide position 2110. The methionine at codon 704 is replaced by valine, an amino acid with highly similar properties. This amino acid position is well conserved in available vertebrate species. In addition, this alteration is predicted to be deleterious by in silico analysis. Based on the available evidence, the clinical significance of this variant remains unclear.

NM_000321.3(RB1):c.2110A>G (p.Met704Val)

Gene: RB1 (RB transcriptional corepressor 1; plus strand). Cytogenetic location: 13q14.2.
Variant type: single nucleotide variant.
Coding change: c.2110A>G on transcript NM_000321.3 (MANE Select); coding-DNA position 2110, A replaced by G.
Protein change: p.Met704Val; replaces methionine 704 with valine.
Molecular consequence: missense variant.
Genome position (GRCh38, 1-based): chr13:48,463,734, A>G. VCF-style: chr13-48463734-A-G. GRCh37 (hg19) VCF-style: chr13-49037870-A-G.
Other names: c.2110A>G, p.Met704Val (NM_001407165.1); short protein forms M704V.
Identifiers: ClinVar variation 3787259 (VCV003787259.1).